The following is an entry in ClinVar:

ClinVar aggregate classification (germline): Uncertain significance (1 of 4 stars; one submission).

gnomAD v4.1: 1 of 1,613,636 alleles (0.000062%); no homozygotes.

Submission:

Labcorp Genetics (formerly Invitae), Labcorp
Classification: Uncertain significance. Last evaluated: 2023-08-02. Review status: criteria provided, single submitter. Criteria: Invitae Variant Classification Sherloc (09022015). Collection method: clinical testing. Allele origin: germline.
Comment: This sequence change replaces alanine, which is neutral and non-polar, with glycine, which is neutral and non-polar, at codon 298 of the GOT2 protein (p.Ala298Gly). In summary, the available evidence is currently insufficient to determine the role of this variant in disease. Therefore, it has been classified as a Variant of Uncertain Significance. Advanced modeling of protein sequence and biophysical properties (such as structural, functional, and spatial information, amino acid conservation, physicochemical variation, residue mobility, and thermodynamic stability) performed at Invitae indicates that this missense variant is not expected to disrupt GOT2 protein function. ClinVar contains an entry for this variant (Variation ID: 1410156). This variant has not been reported in the literature in individuals affected with GOT2-related conditions. This variant is not present in population databases (gnomAD no frequency).

NM_002080.4(GOT2):c.893C>G (p.Ala298Gly)

Gene: GOT2 (glutamic-oxaloacetic transaminase 2; minus strand). Cytogenetic location: 16q21.
Variant type: single nucleotide variant.
Coding change: c.893C>G on transcript NM_002080.4 (MANE Select); coding-DNA position 893, C replaced by G.
Protein change: p.Ala298Gly; replaces alanine 298 with glycine.
Molecular consequence: missense variant.
Genome position (GRCh38, 1-based): chr16:58,716,140, G>C on the plus strand (C>G on the coding strand, the complement: GOT2 is on the minus strand). VCF-style: chr16-58716140-G-C. GRCh37 (hg19) VCF-style: chr16-58750044-G-C.
Other names: c.764C>G, p.Ala255Gly (NM_001286220.2); short protein forms A255G, A298G.
Identifiers: ClinVar variation 1410156 (VCV001410156.8), dbSNP rs781130480, ClinGen allele CA396164902.
Genomic context (GRCh38, chr16:58,716,140, plus strand): 5'-TTGGAATACATGGGACGGATCAAGATCTTCAACTGTGACTCTACCCTTTTGGCTTCATCC[G>C]CATCTTTGCAGACCATAGTGAAGGCTCCTACACGCTCACCTGAAAGACAAAAATGGATCT-3'
Protein context (NP_002071.2, residues 288-308): VGAFTMVCKD[Ala298Gly]DEAKRVESQL